The following is an entry in ClinVar:

ClinVar aggregate classification (germline): Uncertain significance (1 of 4 stars; one submission).

Conditions:
Inborn genetic diseases. Identifiers: MedGen C0950123, MeSH D030342.

Allele frequency attached by ClinVar (database versions not stated): gnomAD exomes below 0.00001.

Submission:

Ambry Genetics
Classification: Uncertain significance for Inborn genetic diseases. Last evaluated: 2024-06-30. Review status: criteria provided, single submitter. Criteria: Ambry Variant Classification Scheme 2023. Collection method: clinical testing. Allele origin: germline.
Comment: The p.A421T variant (also known as c.1261G>A), located in coding exon 11 of the LRRK2 gene, results from a G to A substitution at nucleotide position 1261. The alanine at codon 421 is replaced by threonine, an amino acid with similar properties. This amino acid position is conserved. In addition, this alteration is predicted to be tolerated by in silico analysis. Since supporting evidence is limited at this time, the clinical significance of this alteration remains unclear.

NM_198578.4(LRRK2):c.1261G>A (p.Ala421Thr)

Gene: LRRK2 (leucine rich repeat kinase 2; plus strand). Cytogenetic location: 12q12.
Variant type: single nucleotide variant.
Coding change: c.1261G>A on transcript NM_198578.4 (MANE Select); coding-DNA position 1261, G replaced by A.
Protein change: p.Ala421Thr; replaces alanine 421 with threonine.
Molecular consequence: missense variant.
Genome position (GRCh38, 1-based): chr12:40,252,989, G>A. VCF-style: chr12-40252989-G-A. GRCh37 (hg19) VCF-style: chr12-40646791-G-A.
Other names: short protein forms A421T.
Identifiers: ClinVar variation 1763332 (VCV001763332.3), dbSNP rs2499515164, ClinGen allele CA384409555.
Genomic context (GRCh38, chr12:40,252,989, plus strand): 5'-GTGATGCTCTCCATGCTGATGCATTCTTCATCAAAGGAAGTTTTCCAGGCATCTGCGAAT[G>A]CATTGTCAACTCTCTTAGAACAAAATGGTAAGCAGTGGGCCATGTTTTCAAATAAAGGGA-3'
Protein context (NP_940980.4, residues 411-431): SKEVFQASAN[Ala421Thr]LSTLLEQNVN